The following is an entry in ClinVar:

NM_173546.3(KLHDC8B):c.923G>A (p.Arg308His)

Gene: KLHDC8B (kelch domain containing 8B; plus strand). Cytogenetic location: 3p21.31.
Variant type: single nucleotide variant.
Coding change: c.923G>A on transcript NM_173546.3 (MANE Select); coding-DNA position 923, G replaced by A.
Protein change: p.Arg308His; replaces arginine 308 with histidine.
Molecular consequence: missense variant.
Genome position (GRCh38, 1-based): chr3:49,175,659, G>A. VCF-style: chr3-49175659-G-A. GRCh37 (hg19) VCF-style: chr3-49213092-G-A.
Other names: c.923G>A (NM_173546.2); short protein forms R308H.
Identifiers: ClinVar variation 2963573 (VCV002963573.4), dbSNP rs1313509295, ClinGen allele CA352778194.

ClinVar aggregate classification (germline): Uncertain significance. Review status: criteria provided, multiple submitters, no conflicts (2 of 4 stars). 2 submissions from 2 submitters: Uncertain significance (2). Last evaluated 2025-10-18.

Allele frequency attached by ClinVar (database versions not stated): gnomAD 0.00002; TOPMed 0.00004.
gnomAD v4.1: 33 of 1,609,160 alleles (0.0021%); highest among the groups gnomAD compares: Non-Finnish European, 0.0024%; no homozygotes.

Submissions (2):

Ambry Genetics
Classification: Uncertain significance. Last evaluated: 2025-10-18. Review status: criteria provided, single submitter. Criteria: Ambry Variant Classification Scheme 2023. Collection method: clinical testing. Allele origin: germline.

Labcorp Genetics (formerly Invitae), Labcorp
Classification: Uncertain significance. Last evaluated: 2024-06-26. Review status: criteria provided, single submitter. Criteria: Invitae Variant Classification Sherloc (09022015). Collection method: clinical testing. Allele origin: germline.
Comment: This sequence change replaces arginine, which is basic and polar, with histidine, which is basic and polar, at codon 308 of the KLHDC8B protein (p.Arg308His). This variant is present in population databases (no rsID available, gnomAD 0.003%). This variant has not been reported in the literature in individuals affected with KLHDC8B-related conditions. An algorithm developed to predict the effect of missense changes on protein structure and function (PolyPhen-2) suggests that this variant is likely to be disruptive. In summary, the available evidence is currently insufficient to determine the role of this variant in disease. Therefore, it has been classified as a Variant of Uncertain Significance.